The following is an entry in ClinVar:

ClinVar aggregate classification (germline): Uncertain significance (1 of 4 stars; one submission).

Conditions:
Inherited breast cancer and ovarian cancer.

Submission:

Cambridge Genomics Laboratory, East Genomic Laboratory Hub, NHS Genomic Medicine Service
Classification: Uncertain significance for Inherited breast cancer and ovarian cancer. Last evaluated: 2026-01-12. Review status: criteria provided, single submitter. Criteria: ACGS Best Practice Guidelines for Variant Classification in Rare Disease 2020. Collection method: clinical testing. Allele origin: germline. Affected: yes.
Comment: PM2_Supporting,BP4

NM_007194.4(CHEK2):c.320-5T>G

Gene: CHEK2 (checkpoint kinase 2; minus strand). Cytogenetic location: 22q12.1.
Variant type: single nucleotide variant.
Coding change: c.320-5T>G on transcript NM_007194.4 (MANE Select); 5 bases into the intron before coding-DNA position 320, T replaced by G.
Molecular consequence: intron variant.
Genome position (GRCh38, 1-based): chr22:28,725,372, A>C on the plus strand (T>G on the coding strand, the complement: CHEK2 is on the minus strand). VCF-style: chr22-28725372-A-C. GRCh37 (hg19) VCF-style: chr22-29121360-A-C.
Other names: c.-344-5T>G (NM_001437942.1); c.320-5T>G (NM_001349956.3, NM_145862.3); c.-458-5T>G (NM_001257387.3); c.413-5T>G (NM_001438295.1, NM_001438293.1); c.449-5T>G (NM_001438294.1, NM_001005735.3).
Identifiers: ClinVar variation 4795972 (VCV004795972.1).